The following is an entry in ClinVar:

ClinVar aggregate classification (germline): Pathogenic (1 of 4 stars; one submission).

Allele frequency attached by ClinVar (database versions not stated): TOPMed 0.00001; gnomAD 0.00001; gnomAD exomes 0.00001.
gnomAD v4.1: 12 of 1,596,902 alleles (0.00075%); highest among the groups gnomAD compares: Non-Finnish European, 0.00085%; no homozygotes.

Submission:

GeneDx
Classification: Pathogenic. Last evaluated: 2017-01-18. Review status: criteria provided, single submitter. Criteria: GeneDx Variant Classification (06012015). Collection method: clinical testing. Allele origin: germline. Affected: yes.
Comment: Although the c.2667-1G>A variant in the SPINK5 gene has not been reported previously as a pathogenic variant nor as a benign variant, this splice site variant destroys the canonical splice acceptor site in intron 27. It is predicted to cause abnormal gene splicing, either leading to an abnormal message that is subject to nonsense-mediated mRNA decay, or to an abnormal protein product if the message is used for protein translation. The c.2667-1G>A variant was not observed in approximately 5800 individuals of European and African American ancestry in the NHLBI Exome Sequencing Project, indicating it is not a common benign variant in these populations. As the vast majority of disease-causing SPINK5 variants lead to loss of function, we interpret c.2667-1G>A as a novel pathogenic variant.

NM_006846.4(SPINK5):c.2667-1G>A

Gene: SPINK5 (serine peptidase inhibitor Kazal type 5; plus strand). Cytogenetic location: 5q32.
Variant type: single nucleotide variant.
Coding change: c.2667-1G>A on transcript NM_006846.4 (MANE Select); the canonical splice acceptor site of the intron before coding-DNA position 2667, G replaced by A.
Molecular consequence: splice acceptor variant.
Genome position (GRCh38, 1-based): chr5:148,124,764, G>A. VCF-style: chr5-148124764-G-A. GRCh37 (hg19) VCF-style: chr5-147504327-G-A.
Other names: c.2667-1G>A (NM_001127698.2, NM_001127699.2).
Identifiers: ClinVar variation 392407 (VCV000392407.2), dbSNP rs1057524476, ClinGen allele CA16604714.
Genomic context (GRCh38, chr5:148,124,764, plus strand): 5'-AAGACAATTCAGTAACAACCCTTGAAAAATTACCCTATCTTTTTTTTTAATTATTCTGCA[G>A]TGATCGAGAAGCTAATGAAAGAAAAAAGAAAGATGAAGAGAAATCAAGTAGCAAGCCCTC-3'